The following is an entry in ClinVar:

NM_000702.4(ATP1A2):c.2444C>G (p.Pro815Arg)

Gene: ATP1A2 (ATPase Na+/K+ transporting subunit alpha 2; plus strand). Cytogenetic location: 1q23.2.
Variant type: single nucleotide variant.
Coding change: c.2444C>G on transcript NM_000702.4 (MANE Select); coding-DNA position 2444, C replaced by G.
Protein change: p.Pro815Arg; replaces proline 815 with arginine.
Molecular consequence: missense variant.
Genome position (GRCh38, 1-based): chr1:160,136,251, C>G. VCF-style: chr1-160136251-C-G. GRCh37 (hg19) VCF-style: chr1-160106041-C-G.
Other names: short protein forms P815R.
Identifiers: ClinVar variation 3382567 (VCV003382567.2).

ClinVar aggregate classification (germline): Likely pathogenic (1 of 4 stars; one submission).

Conditions:
Migraine, familial hemiplegic, 2. Identifiers: Orphanet 569, MedGen C1865322, MONDO:0011232, OMIM 602481.
Fetal akinesia, respiratory insufficiency, microcephaly, polymicrogyria, and dysmorphic facies. Identifiers: MedGen C5562015, MONDO:0859204, OMIM 619602.
Developmental and epileptic encephalopathy 98. Identifiers: MedGen C5562017, MONDO:0030472, OMIM 619605.
Alternating hemiplegia of childhood 1 (AHC1). Identifiers: Orphanet 2131, MedGen C3549447, MONDO:0007087, OMIM 104290.

Submission:

Juno Genomics, Hangzhou Juno Genomics, Inc
Classification: Likely pathogenic for Alternating hemiplegia of childhood 1; Developmental and epileptic encephalopathy 98; Fetal akinesia, respiratory insufficiency, microcephaly, polymicrogyria, and dysmorphic facies; Migraine, familial hemiplegic, 2. Review status: criteria provided, single submitter. Criteria: ACMG Guidelines, 2015. Collection method: clinical testing. Allele origin: germline. Affected: yes.
Comment: Absent from controls (or at extremely low frequency if recessive) in Genome Aggregation Database, Exome Sequencing Project, 1000 Genomes Project, or Exome Aggregation Consortium.;Multiple lines of computational evidence support a deleterious effect on the gene or gene product (conservation, evolutionary, splicing impact, etc).;Missense variant in a gene that has a low rate of benign missense variation and where missense variants are a common mechanism of disease.;De novo (both maternity and paternity confirmed) in a patient with the disease and no family history.;Located in a mutational hot spot and/or critical and well-established functional domain (e.g. active site of an enzyme) without benign variation.